The following is an entry in ClinVar:

ClinVar aggregate classification (germline): Uncertain significance. Review status: criteria provided, multiple submitters, no conflicts (2 of 4 stars). 2 submissions from 2 submitters: Uncertain significance (2). Last evaluated 2024-08-19.

Conditions:
GPR143-related disorder. Also called: GPR143-related condition.

Allele frequency attached by ClinVar (database versions not stated): ExAC 0.00003; ESP Exome Variant Server 0.00009; gnomAD exomes 0.00004; gnomAD 0.00002; TOPMed 0.00003.
gnomAD v4.1: 51 of 1,207,152 alleles (0.0042%); highest among the groups gnomAD compares: Non-Finnish European, 0.0051%; no homozygotes.

Submissions (2):

Labcorp Genetics (formerly Invitae), Labcorp
Classification: Uncertain significance. Last evaluated: 2024-08-19. Review status: criteria provided, single submitter. Criteria: Invitae Variant Classification Sherloc (09022015). Collection method: clinical testing. Allele origin: germline.
Comment: This sequence change replaces serine, which is neutral and polar, with glycine, which is neutral and non-polar, at codon 386 of the GPR143 protein (p.Ser386Gly). This variant is present in population databases (rs142625084, gnomAD 0.004%). This variant has not been reported in the literature in individuals affected with GPR143-related conditions. ClinVar contains an entry for this variant (Variation ID: 2071134). An algorithm developed to predict the effect of missense changes on protein structure and function (PolyPhen-2) suggests that this variant is likely to be tolerated. Algorithms developed to predict the effect of sequence changes on RNA splicing suggest that this variant may create or strengthen a splice site. In summary, the available evidence is currently insufficient to determine the role of this variant in disease. Therefore, it has been classified as a Variant of Uncertain Significance.

PreventionGenetics, part of Exact Sciences
Classification: Uncertain significance for GPR143-related condition. Last evaluated: 2023-05-16. Review status: criteria provided, single submitter. Criteria: ACMG Guidelines, 2015. Collection method: clinical testing. Allele origin: germline.
Comment: The GPR143 c.1156A>G variant is predicted to result in the amino acid substitution p.Ser386Gly. To our knowledge, this variant has not been reported in the literature. This variant is reported in 0.0037% of alleles in individuals of European (Non-Finnish) descent in gnomAD. At this time, the clinical significance of this variant is uncertain due to the absence of conclusive functional and genetic evidence.

NM_000273.3(GPR143):c.1156A>G (p.Ser386Gly)

Gene: GPR143 (G protein-coupled receptor 143; minus strand). Cytogenetic location: Xp22.2.
Variant type: single nucleotide variant.
Coding change: c.1156A>G on transcript NM_000273.3 (MANE Select); coding-DNA position 1156, A replaced by G.
Protein change: p.Ser386Gly; replaces serine 386 with glycine.
Molecular consequence: missense variant.
Genome position (GRCh38, 1-based): chrX:9,725,805, T>C on the plus strand (A>G on the coding strand, the complement: GPR143 is on the minus strand). VCF-style: chrX-9725805-T-C. GRCh37 (hg19) VCF-style: chrX-9693845-T-C.
Other names: c.1156A>G (NM_000273.2); short protein forms S386G.
Identifiers: ClinVar variation 2071134 (VCV002071134.5), dbSNP rs142625084, ClinGen allele CA10344871.